The following is an entry in ClinVar:

NM_024009.3(GJB3):c.595A>G (p.Ile199Val)

Gene: GJB3 (gap junction protein beta 3; plus strand). Cytogenetic location: 1p34.3.
Variant type: single nucleotide variant.
Coding change: c.595A>G on transcript NM_024009.3 (MANE Select); coding-DNA position 595, A replaced by G.
Protein change: p.Ile199Val; replaces isoleucine 199 with valine.
Molecular consequence: missense variant.
Genome position (GRCh38, 1-based): chr1:34,785,357, A>G. VCF-style: chr1-34785357-A-G. GRCh37 (hg19) VCF-style: chr1-35250958-A-G.
Other names: c.595A>G, p.Ile199Val (NM_001005752.2); short protein forms I199V.
Identifiers: ClinVar variation 1804421 (VCV001804421.1), dbSNP rs145999152, ClinGen allele CA754865.

ClinVar aggregate classification (germline): Uncertain significance (1 of 4 stars; one submission).

Allele frequency attached by ClinVar (database versions not stated): gnomAD exomes below 0.00001; ExAC 0.00001; TOPMed 0.00001; ESP Exome Variant Server 0.00008.
gnomAD v4.1: 1 of 1,614,004 alleles (0.000062%); highest among the groups gnomAD compares: East Asian, 0.0022%; no homozygotes.

Submission:

GeneDx
Classification: Uncertain significance. Last evaluated: 2022-12-07. Review status: criteria provided, single submitter. Criteria: GeneDx Variant Classification Process June 2021. Collection method: clinical testing. Allele origin: germline. Affected: yes.
Comment: Identified in a patient with congenital hearing loss in published literature (Xie et al., 2021); In silico analysis supports that this missense variant does not alter protein structure/function; This variant is associated with the following publications: (PMID: 34335733, 36217262)